The following is an entry in ClinVar:

NM_005045.4(RELN):c.4176C>G (p.Ser1392Arg)

Gene: RELN (reelin; minus strand). Cytogenetic location: 7q22.1.
Variant type: single nucleotide variant.
Coding change: c.4176C>G on transcript NM_005045.4 (MANE Select); coding-DNA position 4176, C replaced by G.
Protein change: p.Ser1392Arg; replaces serine 1392 with arginine.
Molecular consequence: missense variant.
Genome position (GRCh38, 1-based): chr7:103,575,675, G>C on the plus strand (C>G on the coding strand, the complement: RELN is on the minus strand). VCF-style: chr7-103575675-G-C. GRCh37 (hg19) VCF-style: chr7-103216122-G-C.
Other names: c.4176C>G, p.Ser1392Arg (NM_173054.3); short protein forms S1392R.
Identifiers: ClinVar variation 853607 (VCV000853607.9), dbSNP rs765007573, ClinGen allele CA368752576.
Genomic context (GRCh38, chr7:103,575,675, plus strand): 5'-ACAAGGCTCGGATATGTACACTCCATCTAAACCAAATGGAGGCACGTTTTTCTGTGAGCT[G>C]CTCTCCTGGATCCATCGGAATCTGGTCTTGCTGTTGGGAAAAACAACACACCTGTTTCTT-3'
Protein context (NP_005036.2, residues 1382-1402): SKTRFRWIQE[Ser1392Arg]SSQKNVPPFG

ClinVar aggregate classification (germline): Uncertain significance (1 of 4 stars; one submission).

Conditions:
Familial temporal lobe epilepsy 7. Identifiers: Orphanet 101046, MedGen C4225327, MONDO:0014639, OMIM 616436.
Norman-Roberts syndrome (LIS2). Also called: Lissencephaly 2 (Norman-Roberts type). Identifiers: Orphanet 89844, MedGen C0796089, MONDO:0009760, OMIM 257320.

gnomAD v4.1: 1 of 1,614,134 alleles (0.000062%); highest among the groups gnomAD compares: Admixed American, 0.0017%; no homozygotes.

Submission:

Labcorp Genetics (formerly Invitae), Labcorp
Classification: Uncertain significance for Familial temporal lobe epilepsy 7; Norman-Roberts syndrome. Last evaluated: 2025-04-11. Review status: criteria provided, single submitter. Criteria: Invitae Variant Classification Sherloc (09022015). Collection method: clinical testing. Allele origin: germline.
Comment: This sequence change replaces serine, which is neutral and polar, with arginine, which is basic and polar, at codon 1392 of the RELN protein (p.Ser1392Arg). This variant is not present in population databases (gnomAD no frequency). This variant has not been reported in the literature in individuals affected with RELN-related conditions. ClinVar contains an entry for this variant (Variation ID: 853607). Invitae Evidence Modeling of protein sequence and biophysical properties (such as structural, functional, and spatial information, amino acid conservation, physicochemical variation, residue mobility, and thermodynamic stability) indicates that this missense variant is not expected to disrupt RELN protein function with a negative predictive value of 80%. In summary, the available evidence is currently insufficient to determine the role of this variant in disease. Therefore, it has been classified as a Variant of Uncertain Significance.